The following is an entry in ClinVar:

ClinVar aggregate classification (germline): Uncertain significance (1 of 4 stars; one submission).

Conditions:
Duchenne muscular dystrophy (DMD). Also called: MUSCULAR DYSTROPHY, PSEUDOHYPERTROPHIC PROGRESSIVE, DUCHENNE TYPE; Duchenne Muscular Dystrophy (DMD). Identifiers: Orphanet 98896, MedGen C0013264, MONDO:0010679, OMIM 310200.

Submission:

Labcorp Genetics (formerly Invitae), Labcorp
Classification: Uncertain significance for Duchenne muscular dystrophy. Last evaluated: 2024-01-17. Review status: criteria provided, single submitter. Criteria: Invitae Variant Classification Sherloc (09022015). Collection method: clinical testing. Allele origin: germline.
Comment: This sequence change falls in intron 1 of the DMD gene. It does not directly change the encoded amino acid sequence of the DMD protein. It affects a nucleotide within the consensus splice site. This variant is not present in population databases (gnomAD no frequency). This variant has been observed in individual(s) with dilated cardiomyopathy (Invitae). Variants that disrupt the consensus splice site are a relatively common cause of aberrant splicing (PMID: 17576681, 9536098). Algorithms developed to predict the effect of sequence changes on RNA splicing suggest that this variant may disrupt the consensus splice site. In summary, the available evidence is currently insufficient to determine the role of this variant in disease. Therefore, it has been classified as a Variant of Uncertain Significance.

Literature cited by the submitters: PubMed 17576681; PubMed 9536098.

NM_004006.3(DMD):c.31+4A>C

Gene: DMD (dystrophin; minus strand). Cytogenetic location: Xp21.1.
Variant type: single nucleotide variant.
Coding change: c.31+4A>C on transcript NM_004006.3 (MANE Select); 4 bases into the intron after coding-DNA position 31, A replaced by C.
Molecular consequence: intron variant.
Genome position (GRCh38, 1-based): chrX:33,211,278, T>G on the plus strand (A>C on the coding strand, the complement: DMD is on the minus strand). VCF-style: chrX-33211278-T-G. GRCh37 (hg19) VCF-style: chrX-33229395-T-G.
Other names: c.7+127981A>C (NM_000109.4).
Identifiers: ClinVar variation 2832452 (VCV002832452.3), dbSNP rs1557300092, ClinGen allele CA2739273356.